The following is an entry in ClinVar:

NM_000785.4(CYP27B1):c.328T>C (p.Phe110Leu)

Gene: CYP27B1 (cytochrome P450 family 27 subfamily B member 1; minus strand). Cytogenetic location: 12q14.1.
Variant type: single nucleotide variant.
Coding change: c.328T>C on transcript NM_000785.4 (MANE Select); coding-DNA position 328, T replaced by C.
Protein change: p.Phe110Leu; replaces phenylalanine 110 with leucine.
Molecular consequence: missense variant.
Genome position (GRCh38, 1-based): chr12:57,766,065, A>G on the plus strand (T>C on the coding strand, the complement: CYP27B1 is on the minus strand). VCF-style: chr12-57766065-A-G. GRCh37 (hg19) VCF-style: chr12-58159848-A-G.
Other names: short protein forms F110L.
Identifiers: ClinVar variation 1923855 (VCV001923855.2), dbSNP rs781119946, ClinGen allele CA6658496.
Genomic context (GRCh38, chr12:57,766,065, plus strand): 5'-ACGCAGTGAGCAGTCCGCAAGCCCGCTGGCGGCAGCGGCGGTGCTCCGTCCAGGGCGAGA[A>G]GCTGCAGCGCTCGGGCCGGGGTCCCTCCTGTCGCAGCAGCTCCTCGACGAGTGCAGGGGC-3'
Protein context (NP_000776.1, residues 100-120): QEGPRPERCS[Phe110Leu]SPWTEHRRCR

ClinVar aggregate classification (germline): Uncertain significance (1 of 4 stars; one submission).

Allele frequency attached by ClinVar (database versions not stated): gnomAD exomes below 0.00001; TOPMed below 0.00001.

Submission:

Labcorp Genetics (formerly Invitae), Labcorp
Classification: Uncertain significance. Last evaluated: 2022-06-22. Review status: criteria provided, single submitter. Criteria: Invitae Variant Classification Sherloc (09022015). Collection method: clinical testing. Allele origin: germline.
Comment: This sequence change replaces phenylalanine, which is neutral and non-polar, with leucine, which is neutral and non-polar, at codon 110 of the CYP27B1 protein (p.Phe110Leu). This variant is not present in population databases (gnomAD no frequency). This variant has not been reported in the literature in individuals affected with CYP27B1-related conditions. Algorithms developed to predict the effect of missense changes on protein structure and function (SIFT, PolyPhen-2, Align-GVGD) all suggest that this variant is likely to be tolerated. In summary, the available evidence is currently insufficient to determine the role of this variant in disease. Therefore, it has been classified as a Variant of Uncertain Significance.